The following is an entry in ClinVar:

ClinVar aggregate classification (germline): Benign/Likely benign. Review status: criteria provided, multiple submitters, no conflicts (2 of 4 stars). 3 submissions from 3 submitters: Benign (1); Likely benign (2). Last evaluated 2025-07-31.

Conditions:
Hereditary cancer-predisposing syndrome. Also called: Neoplastic Syndromes, Hereditary; Hereditary neoplastic syndrome; Hereditary Cancer Syndrome; Tumor predisposition. Identifiers: Orphanet 140162, MedGen C0027672, MeSH D009386, MONDO:0015356.
Hereditary diffuse gastric adenocarcinoma (HDGC). Also called: DIFFUSE GASTRIC AND LOBULAR BREAST CANCER SYNDROME. Identifiers: Orphanet 26106, MedGen C1708349, MONDO:0007648, OMIM 137215.

Allele frequency attached by ClinVar (database versions not stated): gnomAD exomes below 0.00001 and 0.00001; ExAC 0.00001; gnomAD 0.00001.
gnomAD v4.1: 13 of 1,611,930 alleles (0.00081%); highest among the groups gnomAD compares: South Asian, 0.0088%; no homozygotes.

Submissions (3):

Labcorp Genetics (formerly Invitae), Labcorp
Classification: Likely benign. Last evaluated: 2025-07-31. Review status: criteria provided, single submitter. Criteria: Invitae Variant Classification Sherloc (09022015). Collection method: clinical testing. Allele origin: germline.

Myriad Genetics, Inc.
Classification: Benign for Hereditary diffuse gastric adenocarcinoma. Last evaluated: 2024-10-11. Review status: criteria provided, single submitter. Criteria: Myriad Autosomal Dominant, Autosomal Recessive and X-Linked Classification Criteria (2023). Collection method: clinical testing. Allele origin: unknown.
Comment: This variant is considered benign. This variant is a silent/synonymous amino acid change and it is not expected to impact splicing.

Ambry Genetics
Classification: Likely benign for Hereditary cancer-predisposing syndrome. Last evaluated: 2022-04-20. Review status: criteria provided, single submitter. Criteria: Ambry Variant Classification Scheme 2023. Collection method: clinical testing. Allele origin: germline.

NM_001903.5(CTNNA1):c.1248T>G (p.Val416=)

Gene: CTNNA1 (catenin alpha 1; plus strand). Cytogenetic location: 5q31.2.
Variant type: single nucleotide variant.
Coding change: c.1248T>G on transcript NM_001903.5 (MANE Select); coding-DNA position 1248, T replaced by G.
Protein change: p.Val416=; no amino-acid change (valine 416 retained).
Molecular consequence: synonymous variant. On other transcripts: 5 prime UTR variant (5), intron variant (2).
Genome position (GRCh38, 1-based): chr5:138,887,594, T>G. VCF-style: chr5-138887594-T-G. GRCh37 (hg19) VCF-style: chr5-138223283-T-G.
Other names: c.1248T>G, p.Val416= (NM_001290307.3, NM_001323982.2, NM_001323983.1 and 3 more transcripts); c.939T>G, p.Val313= (NM_001290309.3); c.879T>G, p.Val293= (NM_001290310.3); c.138T>G, p.Val46= (NM_001290312.1, NM_001323987.1, NM_001323988.1 and 18 more transcripts); c.-260T>G (NM_001324006.1, NM_001324007.1, NM_001324008.1 and 1 more transcripts); c.-135T>G (NM_001324013.1); c.-58+11997T>G (NM_001324012.1); c.-61+11997T>G (NM_001324010.1).
Identifiers: ClinVar variation 1099262 (VCV001099262.12), dbSNP rs762517205, ClinGen allele CA3431887.